The following is an entry in ClinVar:

ClinVar aggregate classification (germline): Pathogenic/Likely pathogenic. Review status: criteria provided, multiple submitters, no conflicts (2 of 4 stars). 6 submissions from 6 submitters: Pathogenic (5); Likely pathogenic (1). Last evaluated 2025-09-23.

Conditions:
MAT1A-related disorder. Also called: MAT1A-related condition.
Hepatic methionine adenosyltransferase deficiency. Also called: Isolated Persistent Hypermethioninemia; Deficiency of methionine adenosyltransferase; MAT I/III DEFICIENCY; Methionine adenosyltransferase deficiency. Identifiers: Orphanet 168598, MedGen C0268621, MeSH C564683, MONDO:0009607, OMIM 250850.

Allele frequency attached by ClinVar (database versions not stated): ESP Exome Variant Server 0.00008; TOPMed below 0.00001.
gnomAD v4.1: 10 of 1,611,962 alleles (0.00062%); highest among the groups gnomAD compares: Non-Finnish European, 0.00076%; no homozygotes.

Submissions (7):

GeneDx
Classification: Pathogenic. Last evaluated: 2025-09-23. Review status: criteria provided, single submitter. Criteria: GeneDx Variant Classification Process June 2021. Collection method: clinical testing. Allele origin: germline. Affected: yes.
Comment: Expression studies found that A259V was associated with an approximately 80-95% reduction in methionine adenosyltransferase (MATI/III) activity compared with wild-type enzyme while tripolyphosphatase activity, the second step in the reaction catalyzed by MAT I/III enzyme, was only slightly reduced (PMID: 20675163); Majority of MAT1A pathogenic variants are inherited in an autosomal recessive manner; however, dominant inheritance has been well documented for a single R264H missense variant. At this time, there is not enough evidence to support A259V as a dominant variant (PMID: 20675163); In silico analysis supports that this missense variant has a deleterious effect on protein structure/function; This variant is associated with the following publications: (PMID: 32335878, 24445979, 23425511, 26933843, 28748147, 28492532, 38582244, 20675163, 36704196, 31737040, 32778825, 33726816)

Labcorp Genetics (formerly Invitae), Labcorp
Classification: Pathogenic for Hepatic methionine adenosyltransferase deficiency. Last evaluated: 2025-02-08. Review status: criteria provided, single submitter. Criteria: Invitae Variant Classification Sherloc (09022015). Collection method: clinical testing. Allele origin: germline.
Comment: This sequence change replaces alanine, which is neutral and non-polar, with valine, which is neutral and non-polar, at codon 259 of the MAT1A protein (p.Ala259Val). The frequency data for this variant in the population databases is considered unreliable, as metrics indicate poor data quality at this position in the gnomAD database. This missense change has been observed in individuals with autosomal dominant hypermethioninemia (PMID: 20675163, 24445979, 28748147; internal data). ClinVar contains an entry for this variant (Variation ID: 279845). Invitae Evidence Modeling of protein sequence and biophysical properties (such as structural, functional, and spatial information, amino acid conservation, physicochemical variation, residue mobility, and thermodynamic stability) indicates that this missense variant is not expected to disrupt MAT1A protein function with a negative predictive value of 80%. Experimental studies have shown that this missense change affects MAT1A function (PMID: 23425511, 26933843, 28748147). For these reasons, this variant has been classified as Pathogenic.

PreventionGenetics, part of Exact Sciences
Classification: Pathogenic for MAT1A-related condition. Last evaluated: 2023-09-15. Review status: criteria provided, single submitter. Criteria: ACMG Guidelines, 2015. Collection method: clinical testing. Allele origin: germline.
Comment: The MAT1A c.776C>T variant is predicted to result in the amino acid substitution p.Ala259Val. This variant has previously been reported in two presumably unrelated patients with hypermethioninemia (Fernández-Irigoyen et al. 2010. PubMed ID: 20675163; Chadwick et al. 2014. PubMed ID: 24445979). The patient reported by Fernández-Irigoyen had greatly decreased methionine adenosyltransferase I/III activity. Additionally, a parent-child pair was reported with both individuals carrying this variant in the heterozygous state. In this family, the mother was also found to exhibit hypermethioninemia. As a result, the authors suggested that this variant may cause autosomal dominant hypermethioninemia (Muriello et al. 2017. PubMed ID: 28748147). In a recent study, four additional patients with hypermethioninemia were reported to harbor this variant in the heterozygous state alone, consistent with autosomal dominant inheritance (Tong et al. 2022. PubMed ID: 36704196). The p.Ala259Val amino acid is predicted to affect protein dimerization, similarly to the commonly reported autosomal dominant p.Arg264His change and other residues localized to the dimer interface (Shafqat et al. 2013. PubMed ID: 23425511; Kim et al. 2016. PubMed ID: 26933843; Muriello et al. 2017. PubMed ID: 28748147). In an expression study in E. coli cells, the p.Ala259Val substitution decreased the methionine adenosyltransferase enzyme activity to less than 20% of control (Fernández-Irigoyen et al. 2010. PubMed ID: 20675163). This variant is reported in 0.0064% of alleles in individuals of African descent in gnomAD. Taken together, we classify this variant as pathogenic.

Centre for Inherited Metabolic Diseases, Karolinska University Hospital
Classification: Pathogenic for Hepatic methionine adenosyltransferase deficiency. Last evaluated: 2021-04-07. Review status: criteria provided, single submitter. Criteria: ACMG Guidelines, 2015. Collection method: clinical testing. Allele origin: germline. Inheritance: Autosomal recessive inheritance. Affected: yes. Observed: 1 heterozygote.

Fulgent Genetics
Classification: Pathogenic for Hepatic methionine adenosyltransferase deficiency. Last evaluated: 2018-10-31. Review status: criteria provided, single submitter. Criteria: ACMG Guidelines, 2015. Collection method: clinical testing. Allele origin: unknown.

Juno Genomics, Hangzhou Juno Genomics, Inc
Classification: Likely pathogenic for Hepatic methionine adenosyltransferase deficiency. Review status: criteria provided, single submitter. Criteria: ACMG Guidelines, 2015. Collection method: clinical testing. Allele origin: germline.
Comment: Absent from controls (or at extremely low frequency if recessive) in Genome Aggregation Database.;Well-established in vitro or in vivo functional studies supportive of a damaging effect on the gene or gene product.;The prevalence of the variant in affected individuals is significantly increased compared to the prevalence in controls.;Patient's phenotype or family history is highly specific for a disease with a single genetic etiology.

Dr. Peter K. Rogan Lab, Western University
No classification provided (evidence only). Condition: Colon adenocarcinoma. Review status: no classification provided. Collection method: in vitro. Allele origin: not applicable. Functional consequence: retained intron. Not counted in ClinVar's aggregate classification.

Literature cited by the submitters: PubMed 20675163 (cited by Labcorp Genetics (formerly Invitae), Labcorp); PubMed 24445979 (cited by Labcorp Genetics (formerly Invitae), Labcorp); PubMed 28748147 (cited by Labcorp Genetics (formerly Invitae), Labcorp); PubMed 23425511 (cited by Labcorp Genetics (formerly Invitae), Labcorp); PubMed 26933843 (cited by Labcorp Genetics (formerly Invitae), Labcorp).

NM_000429.3(MAT1A):c.776C>T (p.Ala259Val)

Gene: MAT1A (methionine adenosyltransferase 1A; minus strand). Cytogenetic location: 10q22.3.
Variant type: single nucleotide variant.
Coding change: c.776C>T on transcript NM_000429.3 (MANE Select); coding-DNA position 776, C replaced by T.
Protein change: p.Ala259Val; replaces alanine 259 with valine.
Molecular consequence: missense variant.
Genome position (GRCh38, 1-based): chr10:80,275,192, G>A on the plus strand (C>T on the coding strand, the complement: MAT1A is on the minus strand). VCF-style: chr10-80275192-G-A. GRCh37 (hg19) VCF-style: chr10-82034948-G-A.
Other names: short protein forms A259V.
Identifiers: ClinVar variation 279845 (VCV000279845.21), dbSNP rs138556525, ClinGen allele CA5576701.